The following is an entry in ClinVar:

ClinVar aggregate classification (germline): Uncertain significance (1 of 4 stars; one submission).

Submission:

Labcorp Genetics (formerly Invitae), Labcorp
Classification: Uncertain significance. Last evaluated: 2022-06-19. Review status: criteria provided, single submitter. Criteria: Invitae Variant Classification Sherloc (09022015). Collection method: clinical testing. Allele origin: germline.
Comment: This sequence change replaces glycine, which is neutral and non-polar, with glutamic acid, which is acidic and polar, at codon 200 of the TNNI3K protein (p.Gly200Glu). In summary, the available evidence is currently insufficient to determine the role of this variant in disease. Therefore, it has been classified as a Variant of Uncertain Significance. Algorithms developed to predict the effect of missense changes on protein structure and function (SIFT, PolyPhen-2, Align-GVGD) all suggest that this variant is likely to be disruptive. This variant has not been reported in the literature in individuals affected with TNNI3K-related conditions. This variant is not present in population databases (gnomAD no frequency).

NM_015978.3(TNNI3K):c.599G>A (p.Gly200Glu)

Genes: TNNI3K (TNNI3 interacting kinase; plus strand), FPGT-TNNI3K (FPGT-TNNI3K readthrough; plus strand). Cytogenetic location: 1p31.1.
Variant type: single nucleotide variant.
Coding change: c.599G>A on transcript NM_015978.3 (MANE Select); coding-DNA position 599, G replaced by A.
Protein change: p.Gly200Glu; replaces glycine 200 with glutamic acid.
Molecular consequence: missense variant.
Genome position (GRCh38, 1-based): chr1:74,336,066, G>A. VCF-style: chr1-74336066-G-A. GRCh37 (hg19) VCF-style: chr1-74801750-G-A.
Other names: c.902G>A, p.Gly301Glu (NM_001112808.3, NM_001199327.2); short protein forms G301E, G200E.
Identifiers: ClinVar variation 1382892 (VCV001382892.8), dbSNP rs2100425060, ClinGen allele CA340780284.
Genomic context (GRCh38, chr1:74,336,066, plus strand): 5'-TTTAGGTAACTCGCCTTCTTTTGAAATTTGGTGCTGATGTAAATGTAAGTGGTGAAGTTG[G>A]AGATAGACCCCTCCACCTAGCATCTGCAAAAGGATTCTTGAATATTGCAAAACTCTTGAT-3'
Protein context (NP_057062.1, residues 190-210): GADVNVSGEV[Gly200Glu]DRPLHLASAK